The following is an entry in ClinVar:

NM_020919.4(ALS2):c.3415C>T (p.Arg1139Ter)

Gene: ALS2 (alsin Rho guanine nucleotide exchange factor ALS2; minus strand). Cytogenetic location: 2q33.1.
Variant type: single nucleotide variant.
Coding change: c.3415C>T on transcript NM_020919.4 (MANE Select); coding-DNA position 3415, C replaced by T.
Protein change: p.Arg1139Ter; replaces arginine 1139 with a stop codon.
Molecular consequence: nonsense.
Genome position (GRCh38, 1-based): chr2:201,724,392, G>A on the plus strand (C>T on the coding strand, the complement: ALS2 is on the minus strand). VCF-style: chr2-201724392-G-A. GRCh37 (hg19) VCF-style: chr2-202589115-G-A.
Other names: short protein forms R1139*.
Identifiers: ClinVar variation 393199 (VCV000393199.12), dbSNP rs767350733, ClinGen allele CA2057886.

ClinVar aggregate classification (germline): Pathogenic/Likely pathogenic. Review status: criteria provided, multiple submitters, no conflicts (2 of 4 stars). 5 submissions from 5 submitters: Pathogenic (3); Likely pathogenic (1). 1 of the submissions does not count toward it. Last evaluated 2026-05-04.

Conditions:
Inborn genetic diseases. Identifiers: MedGen C0950123, MeSH D030342.
Amyotrophic lateral sclerosis type 2, juvenile. Also called: Amyotrophic lateral sclerosis type 2; ALS, JUVENILE. Identifiers: Orphanet 300605, MedGen C1859807, MONDO:0008780, OMIM 205100.
Infantile-onset ascending hereditary spastic paralysis (IAHSP). Also called: Autosomal Recessive Juvenile Amyotrophic Lateral Sclerosis; Infantile-Onset Ascending Hereditary Spastic Paralysis (IAHSP). Identifiers: Orphanet 293168, MedGen C2931441, MONDO:0011797, OMIM 607225. Disease mechanism: loss of function.
Juvenile primary lateral sclerosis (PLSJ). Also called: Juvenile Primary Lateral Sclerosis (JPLS). Identifiers: Orphanet 247604, MedGen C1853396, MONDO:0011663, OMIM 606353.

Allele frequency attached by ClinVar (database versions not stated): TOPMed 0.00002; gnomAD exomes 0.00004 and 0.00002; ExAC 0.00002; gnomAD 0.00001.
gnomAD v4.1: 52 of 1,613,580 alleles (0.0032%); highest among the groups gnomAD compares: South Asian, 0.0066%; no homozygotes.

Submissions (5):

Ambry Genetics
Classification: Pathogenic for Inborn genetic diseases. Last evaluated: 2026-05-04. Review status: criteria provided, single submitter. Criteria: Ambry Variant Classification Scheme 2023. Collection method: clinical testing. Allele origin: germline.
Comment: The c.3415C>T (p.R1139*) alteration, located in exon 21 (coding exon 20) of the ALS2 gene, consists of a C to T substitution at nucleotide position 3415. This changes the amino acid from an arginine (R) to a stop codon at amino acid position 1139. This variant is expected to result in loss of function by premature protein truncation or nonsense-mediated mRNA decay. Based on data from gnomAD, the T allele has an overall frequency of 0.002% (5/249496) total alleles studied. The highest observed frequency was 0.004% (4/113226) of European (non-Finnish) alleles. This variant has been identified in the homozygous state and/or in conjunction with other ALS2 variant(s) in individual(s) with features consistent with ALS2-related motor neuron disease; in at least one instance, the variants were identified in trans (Vanderver, 2016; Ganapathy, 2019). Based on the available evidence, this alteration is classified as pathogenic.

Labcorp Genetics (formerly Invitae), Labcorp
Classification: Pathogenic for Infantile-onset ascending hereditary spastic paralysis. Last evaluated: 2023-05-11. Review status: criteria provided, single submitter. Criteria: Invitae Variant Classification Sherloc (09022015). Collection method: clinical testing. Allele origin: germline.
Comment: ClinVar contains an entry for this variant (Variation ID: 393199). For these reasons, this variant has been classified as Pathogenic. This sequence change creates a premature translational stop signal (p.Arg1139*) in the ALS2 gene. It is expected to result in an absent or disrupted protein product. Loss-of-function variants in ALS2 are known to be pathogenic (PMID: 11586298, 24315819). This variant is present in population databases (rs767350733, gnomAD 0.004%). This premature translational stop signal has been observed in individual(s) with clinical features of leukodystrophy (PMID: 27159321).

Fulgent Genetics
Classification: Pathogenic for Amyotrophic lateral sclerosis type 2, juvenile; Juvenile primary lateral sclerosis; Infantile-onset ascending hereditary spastic paralysis. Last evaluated: 2021-07-21. Review status: criteria provided, single submitter. Criteria: ACMG Guidelines, 2015. Collection method: clinical testing. Allele origin: unknown.

GeneDx
Classification: Likely pathogenic. Last evaluated: 2017-01-31. Review status: criteria provided, single submitter. Criteria: GeneDx Variant Classification (06012015). Collection method: clinical testing. Allele origin: germline. Affected: yes.
Comment: The R1139X variant in the ALS2 gene has been reported previously in the compound heterozygous state, opposite of a second ALS2 variant, in two siblings with progressive spastic paraplegia, macrocephaly, speech and language delays, and abnormal findings on brain MRI (Vanderver et al., 2016). This variant is predicted to cause loss of normal protein function either through protein truncation or nonsense-mediated mRNA decay. The R1139X variant was not observed in approximately 6000 individuals of European and African American ancestry in the NHLBI Exome Sequencing Project, indicating it is not a common benign variant in these populations. Therefore, we interpret R1139X as a likely pathogenic variant.

Foundation for Research in Genetics and Endocrinology, FRIGE's Institute of Human Genetics
Classification: Pathogenic for Amyotrophic lateral sclerosis type 2, juvenile. Last evaluated: 2018-10-23. Review status: no assertion criteria provided. Collection method: clinical testing. Allele origin: germline. Inheritance: Autosomal recessive inheritance. Affected: yes. Observed: 1 homozygote. Not counted in ClinVar's aggregate classification.
Comment: The observed variant c.3415C>T (p.Arg1139Ter) has not been reported in 1000 Genomes and has a minor allele frequency of 0.002% in the ExAC databases. The in silico prediction of the given variant is damaging by MutationTaster2.

Literature cited by the submitters: PubMed 27159321 (cited by Ambry Genetics and Labcorp Genetics (formerly Invitae), Labcorp); PubMed 31069529 (cited by Ambry Genetics); PubMed 11586298 (cited by Labcorp Genetics (formerly Invitae), Labcorp); PubMed 24315819 (cited by Labcorp Genetics (formerly Invitae), Labcorp).